The following is an entry in ClinVar:

NM_032444.4(SLX4):c.2584C>T (p.Arg862Ter)

Gene: SLX4 (SLX4 structure-specific endonuclease subunit; minus strand). Cytogenetic location: 16p13.3.
Variant type: single nucleotide variant.
Coding change: c.2584C>T on transcript NM_032444.4 (MANE Select); coding-DNA position 2584, C replaced by T.
Protein change: p.Arg862Ter; replaces arginine 862 with a stop codon.
Molecular consequence: nonsense.
Genome position (GRCh38, 1-based): chr16:3,591,054, G>A on the plus strand (C>T on the coding strand, the complement: SLX4 is on the minus strand). VCF-style: chr16-3591054-G-A. GRCh37 (hg19) VCF-style: chr16-3641055-G-A.
Other names: c.2584C>T (LRG_503t1); short protein forms R862*.
Identifiers: ClinVar variation 632059 (VCV000632059.7), dbSNP rs200715208, ClinGen allele CA7866128.

ClinVar aggregate classification (germline): Pathogenic (1 of 4 stars; one submission).

Conditions:
Fanconi anemia (FA). Also called: Fanconi's anemia. Identifiers: Orphanet 84, MedGen C0015625, MeSH D005199, MONDO:0019391.

Allele frequency attached by ClinVar (database versions not stated): gnomAD 0.00001; gnomAD exomes 0.00001; ExAC 0.00002; 1000 Genomes Project 30x 0.00016; 1000 Genomes Project 0.00020.
gnomAD v4.1: 18 of 1,614,106 alleles (0.0011%); highest among the groups gnomAD compares: Admixed American, 0.0017%; no homozygotes.

Submission:

Labcorp Genetics (formerly Invitae), Labcorp
Classification: Pathogenic for Fanconi anemia. Last evaluated: 2023-03-13. Review status: criteria provided, single submitter. Criteria: Invitae Variant Classification Sherloc (09022015). Collection method: clinical testing. Allele origin: germline.
Comment: For these reasons, this variant has been classified as Pathogenic. ClinVar contains an entry for this variant (Variation ID: 632059). This variant has not been reported in the literature in individuals affected with SLX4-related conditions. This variant is present in population databases (rs200715208, gnomAD 0.004%). This sequence change creates a premature translational stop signal (p.Arg862*) in the SLX4 gene. It is expected to result in an absent or disrupted protein product. Loss-of-function variants in SLX4 are known to be pathogenic (PMID: 21240277).

Literature cited by the submitters: PubMed 21240277.